The following is an entry in ClinVar:

ClinVar aggregate classification (germline): Uncertain significance (1 of 4 stars; one submission).

Submission:

Mayo Clinic Laboratories, Mayo Clinic
Classification: Uncertain significance. Last evaluated: 2023-10-17. Review status: criteria provided, single submitter. Criteria: ACMG Guidelines, 2015. Collection method: clinical testing. Allele origin: germline. Observed: 1 variant allele.
Comment: PM2_moderate

NM_001013663.2(PTRHD1):c.127C>T (p.Pro43Ser)

Genes: PTRHD1 (peptidyl-tRNA hydrolase domain containing 1; minus strand), LOC129933272 (ATAC-STARR-seq lymphoblastoid active region 15435; plus strand). Cytogenetic location: 2p23.3.
Variant type: single nucleotide variant.
Coding change: c.127C>T on transcript NM_001013663.2 (MANE Select); coding-DNA position 127, C replaced by T.
Protein change: p.Pro43Ser; replaces proline 43 with serine.
Molecular consequence: missense variant.
Genome position (GRCh38, 1-based): chr2:24,793,251, G>A on the plus strand (C>T on the coding strand, the complement: PTRHD1 is on the minus strand). VCF-style: chr2-24793251-G-A. GRCh37 (hg19) VCF-style: chr2-25016120-G-A.
Other names: p.Pro43Ser; short protein forms P43S.
Identifiers: ClinVar variation 3380792 (VCV003380792.1).